The following is an entry in ClinVar:

ClinVar aggregate classification (germline): Uncertain significance (1 of 4 stars; one submission).

Conditions:
Inborn genetic diseases. Identifiers: MedGen C0950123, MeSH D030342.

Submission:

Ambry Genetics
Classification: Uncertain significance for Inborn genetic diseases. Last evaluated: 2025-10-22. Review status: criteria provided, single submitter. Criteria: Ambry Variant Classification Scheme 2023. Collection method: clinical testing. Allele origin: germline.
Comment: The p.V829A variant (also known as c.2486T>C), located in coding exon 14 of the FANCM gene, results from a T to C substitution at nucleotide position 2486. The valine at codon 829 is replaced by alanine, an amino acid with similar properties. This amino acid position is conserved. In addition, this alteration is predicted to be tolerated by in silico analysis. Based on the available evidence, the clinical significance of this variant remains unclear.

NM_020937.4(FANCM):c.2486T>C (p.Val829Ala)

Gene: FANCM (FA complementation group M; plus strand). Cytogenetic location: 14q21.2.
Variant type: single nucleotide variant.
Coding change: c.2486T>C on transcript NM_020937.4 (MANE Select); coding-DNA position 2486, T replaced by C.
Protein change: p.Val829Ala; replaces valine 829 with alanine.
Molecular consequence: missense variant.
Genome position (GRCh38, 1-based): chr14:45,175,240, T>C. VCF-style: chr14-45175240-T-C. GRCh37 (hg19) VCF-style: chr14-45644443-T-C.
Other names: c.2408T>C, p.Val803Ala (NM_001308133.2); short protein forms V829A, V803A.
Identifiers: ClinVar variation 4619514 (VCV004619514.1).
Genomic context (GRCh38, chr14:45,175,240, plus strand): 5'-TTATCACTCACAAGAAATCGTCATTTATAAAGAACATAAATCAAGGCAGTTCATCCTCAG[T>C]GATAGAATCTGATGAAGAATGTGCTGAAATTGTTAAACAAACTCATATCAAACCTACTAA-3'
Protein context (NP_065988.1, residues 819-839): KNINQGSSSS[Val829Ala]IESDEECAEI